The following is an entry in ClinVar:

NM_020338.4(ZMIZ1):c.2935A>T (p.Ser979Cys)

Gene: ZMIZ1 (zinc finger MIZ-type containing 1; plus strand). Cytogenetic location: 10q22.3.
Variant type: single nucleotide variant.
Coding change: c.2935A>T on transcript NM_020338.4 (MANE Select); coding-DNA position 2935, A replaced by T.
Protein change: p.Ser979Cys; replaces serine 979 with cysteine.
Molecular consequence: missense variant.
Genome position (GRCh38, 1-based): chr10:79,311,023, A>T. VCF-style: chr10-79311023-A-T. GRCh37 (hg19) VCF-style: chr10-81070780-A-T.
Other names: c.2935A>T (NM_020338.3); short protein forms S979C.
Identifiers: ClinVar variation 2052755 (VCV002052755.6), dbSNP rs202180044, ClinGen allele CA5573149.

ClinVar aggregate classification (germline): Likely benign. Review status: criteria provided, single submitter (1 of 4 stars). 2 submissions from 2 submitters: Likely benign (1). 1 of the submissions does not count toward it. Last evaluated 2025-12-16.

Conditions:
ZMIZ1-related disorder. Also called: ZMIZ1-related condition.

Allele frequency attached by ClinVar (database versions not stated): ESP Exome Variant Server 0.00046; ExAC 0.00050; 1000 Genomes Project 0.00060; TOPMed 0.00060; 1000 Genomes Project 30x 0.00062; gnomAD exomes 0.00063; gnomAD 0.00066.
gnomAD v4.1: 1,018 of 1,613,608 alleles (0.063%); highest among the groups gnomAD compares: Admixed American, 0.18%; no homozygotes.

Submissions (2):

Labcorp Genetics (formerly Invitae), Labcorp
Classification: Likely benign. Last evaluated: 2025-12-16. Review status: criteria provided, single submitter. Criteria: Invitae Variant Classification Sherloc (09022015). Collection method: clinical testing. Allele origin: germline.

PreventionGenetics, part of Exact Sciences
Classification: Likely benign for ZMIZ1-related condition. Last evaluated: 2022-06-28. Review status: no assertion criteria provided. Collection method: clinical testing. Allele origin: germline. Not counted in ClinVar's aggregate classification.
Comment: This variant is classified as likely benign based on ACMG/AMP sequence variant interpretation guidelines (Richards et al. 2015 PMID: 25741868, with internal and published modifications).